The following is an entry in ClinVar:

NM_181426.2(CCDC39):c.1795C>G (p.Arg599Gly)

Gene: CCDC39 (coiled-coil domain 39 molecular ruler complex subunit; minus strand). Cytogenetic location: 3q26.33.
Variant type: single nucleotide variant.
Coding change: c.1795C>G on transcript NM_181426.2 (MANE Select); coding-DNA position 1795, C replaced by G.
Protein change: p.Arg599Gly; replaces arginine 599 with glycine.
Molecular consequence: missense variant.
Genome position (GRCh38, 1-based): chr3:180,642,072, G>C on the plus strand (C>G on the coding strand, the complement: CCDC39 is on the minus strand). VCF-style: chr3-180642072-G-C. GRCh37 (hg19) VCF-style: chr3-180359860-G-C.
Other names: short protein forms R599G.
Identifiers: ClinVar variation 3828621 (VCV003828621.1).
Genomic context (GRCh38, chr3:180,642,072, plus strand): 5'-GATCAACATATCTTATTTGTGACGCAAGCATTGTTTTATGAACCTTGATTTCTTCAGTTC[G>C]CTCTTCCATTGCTGTGTATAATTGCTGTTTTCTTTTTTCTAGGGAAAGAACTTCTTCTGC-3'
Protein context (NP_852091.1, residues 589-609): KQQLYTAMEE[Arg599Gly]TEEIKVHKTM

ClinVar aggregate classification (germline): Uncertain significance (1 of 4 stars; one submission).

Conditions:
Primary ciliary dyskinesia. Also called: Ciliary dyskinesia. Identifiers: Orphanet 244, MedGen C0008780, MONDO:0016575, HP:0012265.

gnomAD v4.1: 6 of 1,611,134 alleles (0.00037%); highest among the groups gnomAD compares: Non-Finnish European, 0.00051%; no homozygotes.

Submission:

Ambry Genetics
Classification: Uncertain significance for Primary ciliary dyskinesia. Last evaluated: 2025-01-21. Review status: criteria provided, single submitter. Criteria: Ambry Variant Classification Scheme 2023. Collection method: clinical testing. Allele origin: germline.
Comment: The p.R599G variant (also known as c.1795C>G), located in coding exon 13 of the CCDC39 gene, results from a C to G substitution at nucleotide position 1795. The arginine at codon 599 is replaced by glycine, an amino acid with dissimilar properties. This amino acid position is conserved. In addition, this alteration is predicted to be deleterious by in silico analysis. Based on the available evidence, the clinical significance of this variant remains unclear.